The following is an entry in ClinVar:

NM_000540.3(RYR1):c.5736G>A (p.Glu1912=)

Gene: RYR1 (ryanodine receptor 1; plus strand). Cytogenetic location: 19q13.2.
Variant type: single nucleotide variant.
Coding change: c.5736G>A on transcript NM_000540.3 (MANE Select); coding-DNA position 5736, G replaced by A.
Protein change: p.Glu1912=; no amino-acid change (glutamic acid 1912 retained).
Molecular consequence: synonymous variant.
Genome position (GRCh38, 1-based): chr19:38,489,365, G>A. VCF-style: chr19-38489365-G-A. GRCh37 (hg19) VCF-style: chr19-38980005-G-A.
Other names: c.5736G>A, p.Glu1912= (NM_001042723.2).
Identifiers: ClinVar variation 196939 (VCV000196939.14), dbSNP rs753416949, ClinGen allele CA024541.

ClinVar aggregate classification (germline): Conflicting classifications of pathogenicity. Review status: criteria provided, conflicting classifications (1 of 4 stars). 3 submissions from 3 submitters: Uncertain significance (1); Likely benign (2). Last evaluated 2025-08-13.

Conditions:
RYR1-related disorder. Also called: RYR1-related disorders; RYR1-related condition. Identifiers: MedGen CN239331.
Malignant hyperthermia, susceptibility to, 1 (MHS1). Also called: Anesthesia related hyperthermia; Malignant hyperpyrexia; Fulminating hyperpyrexia; Pharmacogenic myopathy; Malignant hyperthermia suceptibility 1; RYR1-Related Malignant Hyperthermia Susceptibility. Identifiers: Orphanet 423, MedGen C2930980, MONDO:0007783, OMIM 145600.

Allele frequency attached by ClinVar (database versions not stated): gnomAD exomes 0.00001.

Submissions (3):

Labcorp Genetics (formerly Invitae), Labcorp
Classification: Likely benign for RYR1-related disorder. Last evaluated: 2025-08-13. Review status: criteria provided, single submitter. Criteria: Invitae Variant Classification Sherloc (09022015). Collection method: clinical testing. Allele origin: germline.

All of Us Research Program, National Institutes of Health
Classification: Likely benign for Malignant hyperthermia, susceptibility to, 1. Last evaluated: 2023-07-10. Review status: criteria provided, single submitter. Criteria: ACMG Guidelines, 2015. Collection method: clinical testing. Allele origin: germline. Inheritance: Autosomal dominant inheritance. Observed: 1 variant allele, 1 heterozygote.
Comment: This study involves interpretation of variants in research participants for the purpose of population health screening. Participant phenotype was not available at the time of variant classification. Additional details can be found in publication PMID: 35346344, PMCID: PMC8962531

Eurofins Ntd Llc (ga)
Classification: Uncertain significance. Last evaluated: 2014-09-09. Review status: criteria provided, single submitter. Criteria: EGL Classification Definitions 2015. Collection method: clinical testing. Allele origin: germline. Observed: 1 variant allele, 1 heterozygote.